The following is an entry in ClinVar:

NM_000053.4(ATP7B):c.1945C>T (p.Gln649Ter)

Gene: ATP7B (ATPase copper transporting beta; minus strand). Cytogenetic location: 13q14.3.
Variant type: single nucleotide variant.
Coding change: c.1945C>T on transcript NM_000053.4 (MANE Select); coding-DNA position 1945, C replaced by T.
Protein change: p.Gln649Ter; replaces glutamine 649 with a stop codon.
Molecular consequence: nonsense. On other transcripts: intron variant (2).
Genome position (GRCh38, 1-based): chr13:51,961,838, G>A on the plus strand (C>T on the coding strand, the complement: ATP7B is on the minus strand). VCF-style: chr13-51961838-G-A. GRCh37 (hg19) VCF-style: chr13-52535974-G-A.
Other names: c.1612C>T, p.Gln538Ter (NM_001243182.2); c.1945C>T, p.Gln649Ter (NM_001330578.2); c.1869+3034C>T (NM_001005918.3, NM_001330579.2); short protein forms Q649*, Q538*.
Identifiers: ClinVar variation 936823 (VCV000936823.10), dbSNP rs1958765122, ClinGen allele CA388027256.

ClinVar aggregate classification (germline): Pathogenic. Review status: criteria provided, multiple submitters, no conflicts (2 of 4 stars). 3 submissions from 3 submitters: Pathogenic (3). Last evaluated 2023-11-30.

Conditions:
Wilson disease (WND). Also called: Wilson's disease. Identifiers: Orphanet 905, MedGen C0019202, MONDO:0010200, OMIM 277900. Disease mechanism: loss of function.

Allele frequency attached by ClinVar (database versions not stated): gnomAD exomes below 0.00001.

Submissions (3):

Revvity Omics, Revvity
Classification: Pathogenic for Wilson disease. Last evaluated: 2023-11-30. Review status: criteria provided, single submitter. Criteria: ACMG Guidelines, 2015. Collection method: clinical testing. Allele origin: germline.

Genome-Nilou Lab
Classification: Pathogenic for Wilson disease. Last evaluated: 2021-08-10. Review status: criteria provided, single submitter. Criteria: ACMG Guidelines, 2015. Collection method: clinical testing. Allele origin: germline. Affected: no.

Labcorp Genetics (formerly Invitae), Labcorp
Classification: Pathogenic for Wilson disease. Last evaluated: 2019-08-12. Review status: criteria provided, single submitter. Criteria: Invitae Variant Classification Sherloc (09022015). Collection method: clinical testing. Allele origin: germline.
Comment: This sequence change creates a premature translational stop signal (p.Gln649*) in the ATP7B gene. It is expected to result in an absent or disrupted protein product. This variant is not present in population databases (ExAC no frequency). This variant has not been reported in the literature in individuals with ATP7B-related conditions. Algorithms developed to predict the effect of sequence changes on RNA splicing suggest that this variant may disrupt the consensus splice site, but this prediction has not been confirmed by published transcriptional studies. Loss-of-function variants in ATP7B are known to be pathogenic (PMID: 10441329, 16283883). For these reasons, this variant has been classified as Pathogenic.

Literature cited by the submitters: PubMed 10441329 (cited by Labcorp Genetics (formerly Invitae), Labcorp); PubMed 16283883 (cited by Labcorp Genetics (formerly Invitae), Labcorp).